The following is an entry in ClinVar:

ClinVar aggregate classification (germline): Conflicting classifications of pathogenicity. Review status: criteria provided, conflicting classifications (1 of 4 stars). 5 submissions from 5 submitters: Uncertain significance (4); Likely benign (1). Last evaluated 2025-12-18.

Conditions:
Cardiovascular phenotype. Identifiers: MedGen CN230736.

Allele frequency attached by ClinVar (database versions not stated): TOPMed 0.00003; gnomAD exomes 0.00004 and 0.00005; 1000 Genomes Project 30x 0.00031; 1000 Genomes Project 0.00040; gnomAD 0.00003.
gnomAD v4.1: 71 of 1,548,828 alleles (0.0046%); highest among the groups gnomAD compares: Admixed American, 0.012%; no homozygotes.

Submissions (5):

Mayo Clinic Laboratories, Mayo Clinic
Classification: Uncertain significance. Last evaluated: 2025-12-18. Review status: criteria provided, single submitter. Criteria: ACMG Guidelines, 2015. Collection method: clinical testing. Allele origin: germline. Observed: 1 variant allele.
Comment: BP4_moderate

Women's Health and Genetics/Laboratory Corporation of America, LabCorp
Classification: Uncertain significance. Last evaluated: 2025-11-24. Review status: criteria provided, single submitter. Criteria: LabCorp Variant Classification Summary - May 2015. Collection method: clinical testing. Allele origin: germline.
Comment: Variant summary: ZNF469 c.1508G>A (p.Arg503Gln) results in a conservative amino acid change in the encoded protein sequence. Algorithms developed to predict the effect of missense changes on protein structure and function are either unavailable or do not agree on the potential impact of this missense change. The variant allele was found at a frequency of 4.2e-05 in 144492 control chromosomes. The available data on variant occurrences in the general population are insufficient to allow any conclusion about variant significance. To our knowledge, no occurrence of c.1508G>A in individuals affected with ZNF469-related conditions and no experimental evidence demonstrating its impact on protein function have been reported. ClinVar contains an entry for this variant (Variation ID: 1399863). Based on the evidence outlined above, the variant was classified as uncertain significance.

GeneDx
Classification: Uncertain significance. Last evaluated: 2025-04-23. Review status: criteria provided, single submitter. Criteria: GeneDx Variant Classification Process June 2021. Collection method: clinical testing. Allele origin: germline.
Comment: Not observed at significant frequency in large population cohorts (gnomAD); In silico analysis indicates that this missense variant does not alter protein structure/function; Has not been previously published as pathogenic or benign to our knowledge

Ambry Genetics
Classification: Likely benign for Cardiovascular phenotype. Last evaluated: 2023-04-04. Review status: criteria provided, single submitter. Criteria: Ambry Variant Classification Scheme 2023. Collection method: clinical testing. Allele origin: germline.

Labcorp Genetics (formerly Invitae), Labcorp
Classification: Uncertain significance. Last evaluated: 2021-09-27. Review status: criteria provided, single submitter. Criteria: Invitae Variant Classification Sherloc (09022015). Collection method: clinical testing. Allele origin: germline.
Comment: This sequence change replaces arginine with glutamine at codon 503 of the ZNF469 protein (p.Arg503Gln). The arginine residue is moderately conserved and there is a small physicochemical difference between arginine and glutamine. The frequency data for this variant in the population databases is considered unreliable, as metrics indicate insufficient coverage at this position in the ExAC database. This variant has not been reported in the literature in individuals affected with ZNF469-related conditions. Algorithms developed to predict the effect of missense changes on protein structure and function output the following: SIFT: "Deleterious"; PolyPhen-2: "Benign"; Align-GVGD: "Class C0". The glutamine amino acid residue is found in multiple mammalian species, which suggests that this missense change does not adversely affect protein function. In summary, the available evidence is currently insufficient to determine the role of this variant in disease. Therefore, it has been classified as a Variant of Uncertain Significance.

NM_001367624.2(ZNF469):c.1508G>A (p.Arg503Gln)

Gene: ZNF469 (zinc finger protein 469; plus strand). Cytogenetic location: 16q24.2.
Variant type: single nucleotide variant.
Coding change: c.1508G>A on transcript NM_001367624.2 (MANE Select); coding-DNA position 1508, G replaced by A.
Protein change: p.Arg503Gln; replaces arginine 503 with glutamine.
Molecular consequence: missense variant.
Genome position (GRCh38, 1-based): chr16:88,428,978, G>A. VCF-style: chr16-88428978-G-A. GRCh37 (hg19) VCF-style: chr16-88495386-G-A.
Other names: NM_001127464.1:c.1508G>A; p.Arg503Gln; short protein forms R503Q.
Identifiers: ClinVar variation 1399863 (VCV001399863.9), dbSNP rs550263442, ClinGen allele CA286372832.
Genomic context (GRCh38, chr16:88,428,978, plus strand): 5'-CTTGGCCCCAAGTGCTCCCGACCGCCCGGCCAAGTCCCCACGGAATGGAGATGCTGAGCC[G>A]GCTGCCTTTCCCCGCGGGGGGCCCCGAGTGGCAGGGGGGCAGCCAAGGAGCCCTGGGCAC-3'
Protein context (NP_001354553.1, residues 493-513): PSPHGMEMLS[Arg503Gln]LPFPAGGPEW